The following is an entry in ClinVar:

ClinVar aggregate classification (germline): Uncertain significance (1 of 4 stars; one submission).

Conditions:
Epileptic encephalopathy. Identifiers: MedGen C0543888, HP:0200134.

Allele frequency attached by ClinVar (database versions not stated): gnomAD exomes 0.00001; ExAC 0.00001; ESP Exome Variant Server 0.00008; gnomAD 0.00004 and 0.00003; TOPMed 0.00004.

Submission:

Labcorp Genetics (formerly Invitae), Labcorp
Classification: Uncertain significance for Epileptic encephalopathy. Last evaluated: 2026-01-14. Review status: criteria provided, single submitter. Criteria: Invitae Variant Classification Sherloc (09022015). Collection method: clinical testing. Allele origin: germline.
Comment: This sequence change replaces aspartic acid, which is acidic and polar, with asparagine, which is neutral and polar, at codon 123 of the FASN protein (p.Asp123Asn). This variant is present in population databases (rs374319954, gnomAD 0.003%). This variant has not been reported in the literature in individuals affected with FASN-related conditions. ClinVar contains an entry for this variant (Variation ID: 1504869). An algorithm developed to predict the effect of missense changes on protein structure and function (PolyPhen-2) suggests that this variant is likely to be disruptive. In summary, the available evidence is currently insufficient to determine the role of this variant in disease. Therefore, it has been classified as a Variant of Uncertain Significance.

NM_004104.5(FASN):c.367G>A (p.Asp123Asn)

Gene: FASN (fatty acid synthase; minus strand). Cytogenetic location: 17q25.3.
Variant type: single nucleotide variant.
Coding change: c.367G>A on transcript NM_004104.5 (MANE Select); coding-DNA position 367, G replaced by A.
Protein change: p.Asp123Asn; replaces aspartic acid 123 with asparagine.
Molecular consequence: missense variant.
Genome position (GRCh38, 1-based): chr17:82,093,685, C>T on the plus strand (G>A on the coding strand, the complement: FASN is on the minus strand). VCF-style: chr17-82093685-C-T. GRCh37 (hg19) VCF-style: chr17-80051561-C-T.
Other names: short protein forms D123N.
Identifiers: ClinVar variation 1504869 (VCV001504869.8), dbSNP rs374319954, ClinGen allele CA8853549.